The following is an entry in ClinVar:

NM_147127.5(EVC2):c.3237C>T (p.Ser1079=)

Gene: EVC2 (EvC ciliary complex subunit 2; minus strand). Cytogenetic location: 4p16.2.
Variant type: single nucleotide variant.
Coding change: c.3237C>T on transcript NM_147127.5 (MANE Select); coding-DNA position 3237, C replaced by T.
Protein change: p.Ser1079=; no amino-acid change (serine 1079 retained).
Molecular consequence: synonymous variant.
Genome position (GRCh38, 1-based): chr4:5,576,275, G>A on the plus strand (C>T on the coding strand, the complement: EVC2 is on the minus strand). VCF-style: chr4-5576275-G-A. GRCh37 (hg19) VCF-style: chr4-5578002-G-A.
Other names: c.2997C>T, p.Ser999= (NM_001166136.2).
Identifiers: ClinVar variation 2155682 (VCV002155682.2), dbSNP rs748279631, ClinGen allele CA2834410.

ClinVar aggregate classification (germline): Conflicting classifications of pathogenicity. Review status: criteria provided, conflicting classifications (1 of 4 stars). 2 submissions from 2 submitters: Uncertain significance (1); Likely benign (1). Last evaluated 2026-06-09.

Conditions:
Ellis-van Creveld syndrome (EVC). Also called: MESOECTODERMAL DYSPLASIA; Chondroectodermal dysplasia. Identifiers: Orphanet 289, MedGen C0013903, MONDO:0009162, OMIM 225500.
Curry-Hall syndrome (WAD). Also called: WEYERS ACRODENTAL DYSOSTOSIS. Identifiers: Orphanet 952, MedGen C0457013, MONDO:0008673, OMIM 193530.

Allele frequency attached by ClinVar (database versions not stated): TOPMed 0.00001; gnomAD 0.00001.
gnomAD v4.1: 11 of 1,614,036 alleles (0.00068%); highest among the groups gnomAD compares: Non-Finnish European, 0.00093%; no homozygotes.

Submissions (2):

Women's Health and Genetics/Laboratory Corporation of America, LabCorp
Classification: Likely benign. Last evaluated: 2026-06-09. Review status: criteria provided, single submitter. Criteria: LabCorp Variant Classification Summary - May 2015. Collection method: clinical testing. Allele origin: germline.

Labcorp Genetics (formerly Invitae), Labcorp
Classification: Uncertain significance for Curry-Hall syndrome; Ellis-van Creveld syndrome. Last evaluated: 2022-10-17. Review status: criteria provided, single submitter. Criteria: Invitae Variant Classification Sherloc (09022015). Collection method: clinical testing. Allele origin: germline.
Comment: This sequence change affects codon 1079 of the EVC2 mRNA. It is a 'silent' change, meaning that it does not change the encoded amino acid sequence of the EVC2 protein. This variant is present in population databases (rs748279631, gnomAD 0.003%). This variant has not been reported in the literature in individuals affected with EVC2-related conditions. Algorithms developed to predict the effect of sequence changes on RNA splicing suggest that this variant may disrupt the consensus splice site. In summary, the available evidence is currently insufficient to determine the role of this variant in disease. Therefore, it has been classified as a Variant of Uncertain Significance.